The following is an entry in ClinVar:

ClinVar aggregate classification (germline): Pathogenic. Review status: criteria provided, multiple submitters, no conflicts (2 of 4 stars). 4 submissions from 4 submitters: Pathogenic (3). 1 of the submissions does not count toward it. Last evaluated 2024-11-18.

Conditions:
Spastic paraplegia. Identifiers: MedGen C0037772, HP:0001258.
Combined oxidative phosphorylation defect type 7. Identifiers: Orphanet 254930, MedGen C3150801, MONDO:0013306, OMIM 613559.
Hereditary spastic paraplegia 55. Also called: Spastic paraplegia 55, autosomal recessive. Identifiers: Orphanet 320375, MedGen C3539506, MONDO:0014020, OMIM 615035.

Allele frequency attached by ClinVar (database versions not stated): TOPMed below 0.00001; gnomAD 0.00001; gnomAD exomes 0.00001 and 0.00002; ExAC 0.00003.
gnomAD v4.1: 15 of 1,613,016 alleles (0.00093%); highest among the groups gnomAD compares: East Asian, 0.0089%; no homozygotes.

Submissions (4):

Labcorp Genetics (formerly Invitae), Labcorp
Classification: Pathogenic for Combined oxidative phosphorylation defect type 7; Spastic paraplegia. Last evaluated: 2024-11-18. Review status: criteria provided, single submitter. Criteria: Invitae Variant Classification Sherloc (09022015). Collection method: clinical testing. Allele origin: germline.
Comment: This sequence change creates a premature translational stop signal (p.Arg132*) in the C12orf65 gene. While this is not anticipated to result in nonsense mediated decay, it is expected to disrupt the last 35 amino acid(s) of the C12orf65 protein. This variant is present in population databases (rs397514539, gnomAD 0.01%). This premature translational stop signal has been observed in individual(s) with C12orf65-related conditions (PMID: 23188110, 28091420, 30369941, 31753091). In at least one individual the data is consistent with being in trans (on the opposite chromosome) from a pathogenic variant. ClinVar contains an entry for this variant (Variation ID: 39582). For these reasons, this variant has been classified as Pathogenic.

Eurofins Ntd Llc (ga)
Classification: Pathogenic. Last evaluated: 2018-05-17. Review status: criteria provided, single submitter. Criteria: EGL ClinVar v180209 classification definitions. Collection method: clinical testing. Allele origin: germline. Observed: 1 variant allele, 1 heterozygote.

CeGaT Center for Human Genetics Tuebingen
Classification: Pathogenic. Last evaluated: 2017-03-01. Review status: criteria provided, single submitter. Criteria: CeGaT Center For Human Genetics Tuebingen Variant Classification Criteria Version 2. Collection method: clinical testing. Allele origin: germline. Affected: yes. Observed: 1 variant allele.

OMIM
Classification: Pathogenic for SPASTIC PARAPLEGIA 55, AUTOSOMAL RECESSIVE. Last evaluated: 2012-12-01. Review status: no assertion criteria provided. Collection method: literature only. Allele origin: germline. Not counted in ClinVar's aggregate classification.

Literature cited by the submitters: PubMed 23188110 (cited by Labcorp Genetics (formerly Invitae), Labcorp and OMIM); PubMed 28091420 (cited by Labcorp Genetics (formerly Invitae), Labcorp); PubMed 30369941 (cited by Labcorp Genetics (formerly Invitae), Labcorp); PubMed 31753091 (cited by Labcorp Genetics (formerly Invitae), Labcorp).

NM_152269.5(MTRFR):c.394C>T (p.Arg132Ter)

Gene: MTRFR (mitochondrial translation release factor in rescue; plus strand). Cytogenetic location: 12q24.31.
Variant type: single nucleotide variant.
Coding change: c.394C>T on transcript NM_152269.5 (MANE Select); coding-DNA position 394, C replaced by T.
Protein change: p.Arg132Ter; replaces arginine 132 with a stop codon.
Molecular consequence: nonsense.
Genome position (GRCh38, 1-based): chr12:123,256,924, C>T. VCF-style: chr12-123256924-C-T. GRCh37 (hg19) VCF-style: chr12-123741471-C-T.
Other names: c.394C>T, p.Arg132Ter (NM_001143905.2, NM_001194995.1); short protein forms R132*.
Identifiers: ClinVar variation 39582 (VCV000039582.53), dbSNP rs397514539, ClinGen allele CA130375.